The following is an entry in ClinVar:

ClinVar aggregate classification (germline): Uncertain significance. Review status: criteria provided, multiple submitters, no conflicts (2 of 4 stars). 2 submissions from 2 submitters: Uncertain significance (2). Last evaluated 2025-01-13.

Conditions:
Inborn genetic diseases. Identifiers: MedGen C0950123, MeSH D030342.
Leigh syndrome (NULS). Also called: Subacute necrotizing encephalopathy; Necrotizing encephalopathy infantile subacute of Leigh; Leigh Syndrome (mtDNA deletion); LEIGH SYNDROME, NUCLEAR; Leigh's necrotizing encephalopathy; Leigh's disease. Identifiers: Orphanet 506, MedGen C2931891, MONDO:0009723, OMIM 256000.

Allele frequency attached by ClinVar (database versions not stated): TOPMed 0.00001; gnomAD 0.00003.

Submissions (2):

Labcorp Genetics (formerly Invitae), Labcorp
Classification: Uncertain significance for Leigh syndrome. Last evaluated: 2025-01-13. Review status: criteria provided, single submitter. Criteria: Invitae Variant Classification Sherloc (09022015). Collection method: clinical testing. Allele origin: germline.
Comment: This sequence change replaces methionine, which is neutral and non-polar, with leucine, which is neutral and non-polar, at codon 235 of the SURF1 protein (p.Met235Leu). This variant is present in population databases (rs782437393, gnomAD 0.01%). This variant has not been reported in the literature in individuals affected with SURF1-related conditions. ClinVar contains an entry for this variant (Variation ID: 2076254). Invitae Evidence Modeling of protein sequence and biophysical properties (such as structural, functional, and spatial information, amino acid conservation, physicochemical variation, residue mobility, and thermodynamic stability) has been performed for this missense variant. However, the output from this modeling did not meet the statistical confidence thresholds required to predict the impact of this variant on SURF1 protein function. In summary, the available evidence is currently insufficient to determine the role of this variant in disease. Therefore, it has been classified as a Variant of Uncertain Significance.

Ambry Genetics
Classification: Uncertain significance for Inborn genetic diseases. Last evaluated: 2024-10-09. Review status: criteria provided, single submitter. Criteria: Ambry Variant Classification Scheme 2023. Collection method: clinical testing. Allele origin: germline.

NM_003172.4(SURF1):c.703A>C (p.Met235Leu)

Gene: SURF1 (SURF1 cytochrome c oxidase assembly factor; minus strand). Cytogenetic location: 9q34.2.
Variant type: single nucleotide variant.
Coding change: c.703A>C on transcript NM_003172.4 (MANE Select); coding-DNA position 703, A replaced by C.
Protein change: p.Met235Leu; replaces methionine 235 with leucine.
Molecular consequence: missense variant.
Genome position (GRCh38, 1-based): chr9:133,352,494, T>G on the plus strand (A>C on the coding strand, the complement: SURF1 is on the minus strand). VCF-style: chr9-133352494-T-G. GRCh37 (hg19) VCF-style: chr9-136219349-T-G.
Other names: c.703A>C (NM_003172.2); c.376A>C, p.Met126Leu (NM_001280787.1); short protein forms M126L, M235L.
Identifiers: ClinVar variation 2076254 (VCV002076254.3), dbSNP rs782437393, ClinGen allele CA200832358.